The following is an entry in ClinVar:

ClinVar aggregate classification (germline): Uncertain significance (1 of 4 stars; one submission).

gnomAD v4.1: 2 of 1,203,323 alleles (0.00017%); highest among the groups gnomAD compares: African/African-American, 0.0035%; no homozygotes.

Submission:

Labcorp Genetics (formerly Invitae), Labcorp
Classification: Uncertain significance. Last evaluated: 2025-12-26. Review status: criteria provided, single submitter. Criteria: Invitae Variant Classification Sherloc (09022015). Collection method: clinical testing. Allele origin: germline.
Comment: This sequence change replaces valine, which is neutral and non-polar, with alanine, which is neutral and non-polar, at codon 523 of the CHM protein (p.Val523Ala). The frequency data for this variant in the population databases is considered unreliable, as metrics indicate poor data quality at this position in the gnomAD database. This variant has not been reported in the literature in individuals affected with CHM-related conditions. Invitae Evidence Modeling of protein sequence and biophysical properties (such as structural, functional, and spatial information, amino acid conservation, physicochemical variation, residue mobility, and thermodynamic stability) indicates that this missense variant is not expected to disrupt CHM protein function with a negative predictive value of 80%. In summary, the available evidence is currently insufficient to determine the role of this variant in disease. Therefore, it has been classified as a Variant of Uncertain Significance.

NM_000390.4(CHM):c.1568T>C (p.Val523Ala)

Gene: CHM (CHM Rab escort protein; minus strand). Cytogenetic location: Xq21.2.
Variant type: single nucleotide variant.
Coding change: c.1568T>C on transcript NM_000390.4 (MANE Select); coding-DNA position 1568, T replaced by C.
Protein change: p.Val523Ala; replaces valine 523 with alanine.
Molecular consequence: missense variant.
Genome position (GRCh38, 1-based): chrX:85,879,006, A>G on the plus strand (T>C on the coding strand, the complement: CHM is on the minus strand). VCF-style: chrX-85879006-A-G. GRCh37 (hg19) VCF-style: chrX-85134011-A-G.
Other names: c.1124T>C, p.Val375Ala (NM_001320959.1, NM_001362517.1, NM_001362518.2 and 1 more transcripts); short protein forms V375A, V523A.
Identifiers: ClinVar variation 4771716 (VCV004771716.1).
Genomic context (GRCh38, chrX:85,879,006, plus strand): 5'-TATCAATTATTTTTCTTACCTATCTCCATTTCAGTATATGGAACAAACAATTTCTGCACA[A>G]CTGATTCTAAATCTTCTCTTGCTGTTTTAGAAGATGTGCAAGTCAAATGAACCAAATCTG-3'
Protein context (NP_000381.1, residues 513-533): SKTAREDLES[Val523Ala]VQKLFVPYTE